The following is an entry in ClinVar:

NM_002017.5(FLI1):c.1178C>T (p.Ala393Val)

Gene: FLI1 (Fli-1 proto-oncogene, ETS transcription factor; plus strand). Cytogenetic location: 11q24.3.
Variant type: single nucleotide variant.
Coding change: c.1178C>T on transcript NM_002017.5 (MANE Select); coding-DNA position 1178, C replaced by T.
Protein change: p.Ala393Val; replaces alanine 393 with valine.
Molecular consequence: missense variant.
Genome position (GRCh38, 1-based): chr11:128,810,807, C>T. VCF-style: chr11-128810807-C-T. GRCh37 (hg19) VCF-style: chr11-128680702-C-T.
Other names: c.1079C>T, p.Ala360Val (NM_001167681.3); c.980C>T, p.Ala327Val (NM_001271010.2); c.599C>T, p.Ala200Val (NM_001271012.2); short protein forms A200V, A327V, A360V, A393V.
Identifiers: ClinVar variation 3013168 (VCV003013168.3), dbSNP rs1447131318, ClinGen allele CA383239221.

ClinVar aggregate classification (germline): Uncertain significance (1 of 4 stars; one submission).

Allele frequency attached by ClinVar (database versions not stated): gnomAD exomes below 0.00001; TOPMed below 0.00001.
gnomAD v4.1: 2 of 1,614,040 alleles (0.00012%); highest among the groups gnomAD compares: African/African-American, 0.0013%; no homozygotes.

Submission:

Labcorp Genetics (formerly Invitae), Labcorp
Classification: Uncertain significance. Last evaluated: 2024-01-10. Review status: criteria provided, single submitter. Criteria: Invitae Variant Classification Sherloc (09022015). Collection method: clinical testing. Allele origin: germline.
Comment: This sequence change replaces alanine, which is neutral and non-polar, with valine, which is neutral and non-polar, at codon 393 of the FLI1 protein (p.Ala393Val). This variant is present in population databases (no rsID available, gnomAD 0.0009%). This variant has not been reported in the literature in individuals affected with FLI1-related conditions. Advanced modeling of protein sequence and biophysical properties (such as structural, functional, and spatial information, amino acid conservation, physicochemical variation, residue mobility, and thermodynamic stability) performed at Invitae indicates that this missense variant is not expected to disrupt FLI1 protein function with a negative predictive value of 80%. In summary, the available evidence is currently insufficient to determine the role of this variant in disease. Therefore, it has been classified as a Variant of Uncertain Significance.